The following is an entry in ClinVar:

NM_014141.6(CNTNAP2):c.1897+202C>T

Gene: CNTNAP2 (contactin associated protein 2; plus strand). Cytogenetic location: 7q35.
Variant type: single nucleotide variant.
Coding change: c.1897+202C>T on transcript NM_014141.6 (MANE Select); 202 bases into the intron after coding-DNA position 1897, C replaced by T.
Molecular consequence: intron variant.
Genome position (GRCh38, 1-based): chr7:147,562,459, C>T. VCF-style: chr7-147562459-C-T. GRCh37 (hg19) VCF-style: chr7-147259551-C-T.
Identifiers: ClinVar variation 679927 (VCV000679927.1), dbSNP rs2074713, ClinGen allele CA168744565.

ClinVar aggregate classification (germline): Benign (1 of 4 stars; one submission).

Allele frequency attached by ClinVar (database versions not stated): 1000 Genomes Project 0.69808; 1000 Genomes Project 30x 0.70237; gnomAD 0.70386 and 0.70810; TOPMed 0.71624.
gnomAD v4.1: 107,030 of 152,052 alleles (70%); highest among the groups gnomAD compares: African/African-American, 77%; 37,962 homozygotes.

Submission:

GeneDx
Classification: Benign. Last evaluated: 2018-06-14. Review status: criteria provided, single submitter. Criteria: GeneDx Variant Classification (06012015). Collection method: clinical testing. Allele origin: germline. Affected: yes.
Comment: This variant is considered likely benign or benign based on one or more of the following criteria: it is a conservative change, it occurs at a poorly conserved position in the protein, it is predicted to be benign by multiple in silico algorithms, and/or has population frequency not consistent with disease.